The following is an entry in ClinVar:

NM_001013838.3(CARMIL2):c.1334C>T (p.Thr445Met)

Gene: CARMIL2 (capping protein regulator and myosin 1 linker 2; plus strand). Cytogenetic location: 16q22.1.
Variant type: single nucleotide variant.
Coding change: c.1334C>T on transcript NM_001013838.3 (MANE Select); coding-DNA position 1334, C replaced by T.
Protein change: p.Thr445Met; replaces threonine 445 with methionine.
Molecular consequence: missense variant.
Genome position (GRCh38, 1-based): chr16:67,648,314, C>T. VCF-style: chr16-67648314-C-T. GRCh37 (hg19) VCF-style: chr16-67682217-C-T.
Other names: c.1226C>T, p.Thr409Met (NM_001317026.3, NM_001438244.1, NM_001438835.1); short protein forms T445M, T409M.
Identifiers: ClinVar variation 4771726 (VCV004771726.1).

ClinVar aggregate classification (germline): Uncertain significance (1 of 4 stars; one submission).

gnomAD v4.1: 2 of 1,586,900 alleles (0.00013%); highest among the groups gnomAD compares: Admixed American, 0.0017%; no homozygotes.

Submission:

Labcorp Genetics (formerly Invitae), Labcorp
Classification: Uncertain significance. Last evaluated: 2025-05-26. Review status: criteria provided, single submitter. Criteria: Invitae Variant Classification Sherloc (09022015). Collection method: clinical testing. Allele origin: germline.
Comment: This sequence change replaces threonine, which is neutral and polar, with methionine, which is neutral and non-polar, at codon 445 of the CARMIL2 protein (p.Thr445Met). The frequency data for this variant in the population databases is considered unreliable, as metrics indicate poor data quality at this position in the gnomAD database. This variant has not been reported in the literature in individuals affected with CARMIL2-related conditions. An algorithm developed to predict the effect of missense changes on protein structure and function outputs the following: PolyPhen-2: "Benign". The methionine amino acid residue is found in multiple mammalian species, which suggests that this missense change does not adversely affect protein function. In summary, the available evidence is currently insufficient to determine the role of this variant in disease. Therefore, it has been classified as a Variant of Uncertain Significance.